The following is an entry in ClinVar:

NM_005219.5(DIAPH1):c.*709C>T

Gene: DIAPH1 (diaphanous related formin 1; minus strand). Cytogenetic location: 5q31.3.
Variant type: single nucleotide variant.
Coding change: c.*709C>T on transcript NM_005219.5 (MANE Select); 709 bases downstream of the stop codon, C replaced by T.
Molecular consequence: 3 prime UTR variant.
Genome position (GRCh38, 1-based): chr5:141,516,142, G>A on the plus strand (C>T on the coding strand, the complement: DIAPH1 is on the minus strand). VCF-style: chr5-141516142-G-A. GRCh37 (hg19) VCF-style: chr5-140895709-G-A.
Other names: c.*709C>T (NM_001079812.3); c.*828C>T (NM_001314007.2).
Identifiers: ClinVar variation 351275 (VCV000351275.5), dbSNP rs186922755, ClinGen allele CA10623007.
Genomic context (GRCh38, chr5:141,516,142, plus strand): 5'-GAAGGTGGCTCAGTAGCCTGGGGTTGGTGCAGAGCGTCCAGAGAGGCAAGGGCATAAAGC[G>A]TGGCAGAAGCTGGGGGCAGGTCCCACACTGTCGCTATGCCCTGCCTGCCTGCCCACAGGC-3'

ClinVar aggregate classification (germline): Likely benign (1 of 4 stars; one submission).

Conditions:
Autosomal dominant nonsyndromic hearing loss 1. Also called: KONIGSMARK SYNDROME; DEAFNESS, AUTOSOMAL DOMINANT 1, WITH OR WITHOUT THROMBOCYTOPENIA. Identifiers: Orphanet 90635, MedGen C1852282, MONDO:0007424, OMIM 124900.

Allele frequency attached by ClinVar (database versions not stated): gnomAD exomes 0.00019; gnomAD 0.00026 and 0.00033; TOPMed 0.00044; 1000 Genomes Project 0.00140; 1000 Genomes Project 30x 0.00141.
gnomAD v4.1: 51 of 157,742 alleles (0.032%); highest among the groups gnomAD compares: East Asian, 0.74%; no homozygotes.

Submission:

Illumina Laboratory Services, Illumina
Classification: Likely benign for Autosomal dominant nonsyndromic hearing loss 1. Last evaluated: 2018-01-13. Review status: criteria provided, single submitter. Criteria: ICSL Variant Classification Criteria 13 December 2019. Collection method: clinical testing. Allele origin: germline.
Comment: This variant was observed in the ICSL laboratory as part of a predisposition screen in an ostensibly healthy population. It had not been previously curated by ICSL or reported in the Human Gene Mutation Database (HGMD: prior to June 1st, 2018), and was therefore a candidate for classification through an automated scoring system. Utilizing variant allele frequency, disease prevalence and penetrance estimates, and inheritance mode, an automated score was calculated to assess if this variant is too frequent to cause the disease. Based on the score and internal cut-off values, a variant classified as likely benign is not then subjected to further curation. The score for this variant resulted in a classification of likely benign for this disease.